The following is an entry in ClinVar:

ClinVar aggregate classification (germline): Uncertain significance (1 of 4 stars; one submission).

Conditions:
Schuurs-Hoeijmakers syndrome. Also called: PACS1-Related Neurodevelopmental Disorder. Identifiers: Orphanet 329224, MedGen C3554343, MONDO:0014006, OMIM 615009.

gnomAD v4.1: 1 of 1,613,858 alleles (0.000062%); highest among the groups gnomAD compares: South Asian, 0.0011%; no homozygotes.

Submission:

Labcorp Genetics (formerly Invitae), Labcorp
Classification: Uncertain significance for Schuurs-Hoeijmakers syndrome. Last evaluated: 2023-07-03. Review status: criteria provided, single submitter. Criteria: Invitae Variant Classification Sherloc (09022015). Collection method: clinical testing. Allele origin: germline.
Comment: This variant is not present in population databases (gnomAD no frequency). In summary, the available evidence is currently insufficient to determine the role of this variant in disease. Therefore, it has been classified as a Variant of Uncertain Significance. Variants that disrupt the consensus splice site are a relatively common cause of aberrant splicing (PMID: 17576681, 9536098). Algorithms developed to predict the effect of sequence changes on RNA splicing suggest that this variant is not likely to affect RNA splicing. ClinVar contains an entry for this variant (Variation ID: 945180). This variant has not been reported in the literature in individuals affected with PACS1-related conditions. This sequence change falls in intron 23 of the PACS1 gene. It does not directly change the encoded amino acid sequence of the PACS1 protein. It affects a nucleotide within the consensus splice site.

Literature cited by the submitters: PubMed 17576681; PubMed 9536098.

NM_018026.4(PACS1):c.2776+5G>C

Gene: PACS1 (phosphofurin acidic cluster sorting protein 1; plus strand). Cytogenetic location: 11q13.2.
Variant type: single nucleotide variant.
Coding change: c.2776+5G>C on transcript NM_018026.4 (MANE Select); 5 bases into the intron after coding-DNA position 2776, G replaced by C.
Molecular consequence: intron variant.
Genome position (GRCh38, 1-based): chr11:66,243,036, G>C. VCF-style: chr11-66243036-G-C. GRCh37 (hg19) VCF-style: chr11-66010507-G-C.
Identifiers: ClinVar variation 945180 (VCV000945180.8), dbSNP rs371976817, ClinGen allele CA1139662043.